The following is an entry in ClinVar:

ClinVar aggregate classification (germline): Conflicting classifications of pathogenicity. Review status: criteria provided, conflicting classifications (1 of 4 stars). 2 submissions from 2 submitters: Uncertain significance (1); Likely benign (1). Last evaluated 2026-09-14.

Conditions:
Hereditary cancer-predisposing syndrome. Also called: Neoplastic Syndromes, Hereditary; Tumor predisposition; Hereditary Cancer Syndrome; Hereditary neoplastic syndrome. Identifiers: Orphanet 140162, MedGen C0027672, MeSH D009386, MONDO:0015356.

Submissions (2):

Ambry Genetics
Classification: Likely benign for Hereditary cancer-predisposing syndrome. Last evaluated: 2026-09-14. Review status: criteria provided, single submitter. Criteria: Ambry Variant Classification Scheme 2023. Collection method: clinical testing. Allele origin: germline.

GeneDx
Classification: Uncertain significance. Last evaluated: 2025-04-23. Review status: criteria provided, single submitter. Criteria: GeneDx Variant Classification Process June 2021. Collection method: clinical testing. Allele origin: germline. Affected: yes.
Comment: Not observed at significant frequency in large population cohorts (gnomAD); In silico analysis indicates that this missense variant does not alter protein structure/function; Has not been previously published as pathogenic or benign to our knowledge; This variant is associated with the following publications: (PMID: 14704354)

Literature cited by the submitters: PubMed 39299233 (cited by Ambry Genetics).

NM_058216.3(RAD51C):c.824A>G (p.Asn275Ser)

Gene: RAD51C (RAD51 paralog C; plus strand). Cytogenetic location: 17q22.
Variant type: single nucleotide variant.
Coding change: c.824A>G on transcript NM_058216.3 (MANE Select); coding-DNA position 824, A replaced by G.
Protein change: p.Asn275Ser; replaces asparagine 275 with serine.
Molecular consequence: missense variant. On other transcripts: non-coding transcript variant (1).
Genome position (GRCh38, 1-based): chr17:58,709,977, A>G. VCF-style: chr17-58709977-A-G. GRCh37 (hg19) VCF-style: chr17-56787338-A-G.
Other names: short protein forms N275S.
Identifiers: ClinVar variation 4527419 (VCV004527419.2).